The following is an entry in ClinVar:

NM_152383.5(DIS3L2):c.1740-1G>C

Gene: DIS3L2 (DIS3 like 3'-5' exoribonuclease 2; plus strand). Cytogenetic location: 2q37.1.
Variant type: single nucleotide variant.
Coding change: c.1740-1G>C on transcript NM_152383.5 (MANE Select); the canonical splice acceptor site of the intron before coding-DNA position 1740, G replaced by C.
Molecular consequence: splice acceptor variant. On other transcripts: intron variant (1).
Genome position (GRCh38, 1-based): chr2:232,329,812, G>C. VCF-style: chr2-232329812-G-C. GRCh37 (hg19) VCF-style: chr2-233194522-G-C.
Other names: c.1582-13533G>C (NM_001257281.2).
Identifiers: ClinVar variation 848347 (VCV000848347.10), dbSNP rs1695680859, ClinGen allele CA350975911.

ClinVar aggregate classification (germline): Likely pathogenic. Review status: criteria provided, multiple submitters, no conflicts (2 of 4 stars). 2 submissions from 2 submitters: Likely pathogenic (2). Last evaluated 2023-11-10.

Conditions:
Perlman syndrome (PRLMNS). Identifiers: Orphanet 2849, MedGen C0796113, MONDO:0009965, OMIM 267000.

Submissions (2):

Labcorp Genetics (formerly Invitae), Labcorp
Classification: Likely pathogenic for Perlman syndrome. Last evaluated: 2023-11-10. Review status: criteria provided, single submitter. Criteria: Invitae Variant Classification Sherloc (09022015). Collection method: clinical testing. Allele origin: germline.
Comment: This sequence change affects an acceptor splice site in intron 14 of the DIS3L2 gene. It is expected to disrupt RNA splicing. Variants that disrupt the donor or acceptor splice site typically lead to a loss of protein function (PMID: 16199547), and loss-of-function variants in DIS3L2 are known to be pathogenic (PMID: 22306653, 28328139). This variant is not present in population databases (gnomAD no frequency). This variant has not been reported in the literature in individuals affected with DIS3L2-related conditions. ClinVar contains an entry for this variant (Variation ID: 848347). Algorithms developed to predict the effect of sequence changes on RNA splicing suggest that this variant may disrupt the consensus splice site. In summary, the currently available evidence indicates that the variant is pathogenic, but additional data are needed to prove that conclusively. Therefore, this variant has been classified as Likely Pathogenic.

Baylor Genetics
Classification: Likely pathogenic for Perlman syndrome. Last evaluated: 2022-06-21. Review status: criteria provided, single submitter. Criteria: ACMG Guidelines, 2015. Collection method: clinical testing. Allele origin: unknown.

Literature cited by the submitters: PubMed 16199547 (cited by Labcorp Genetics (formerly Invitae), Labcorp); PubMed 22306653 (cited by Labcorp Genetics (formerly Invitae), Labcorp); PubMed 28328139 (cited by Labcorp Genetics (formerly Invitae), Labcorp).